The following is an entry in ClinVar:

NM_022089.4(ATP13A2):c.658G>A (p.Val220Met)

Gene: ATP13A2 (ATPase cation transporting 13A2; minus strand). Cytogenetic location: 1p36.13.
Variant type: single nucleotide variant.
Coding change: c.658G>A on transcript NM_022089.4 (MANE Select); coding-DNA position 658, G replaced by A.
Protein change: p.Val220Met; replaces valine 220 with methionine.
Molecular consequence: missense variant.
Genome position (GRCh38, 1-based): chr1:17,002,081, C>T on the plus strand (G>A on the coding strand, the complement: ATP13A2 is on the minus strand). VCF-style: chr1-17002081-C-T. GRCh37 (hg19) VCF-style: chr1-17328576-C-T.
Other names: c.643G>A, p.Val215Met (NM_001141973.3, NM_001141974.3); short protein forms V220M, V215M.
Identifiers: ClinVar variation 657632 (VCV000657632.6), dbSNP rs367693423, ClinGen allele CA637539.

ClinVar aggregate classification (germline): Uncertain significance. Review status: criteria provided, multiple submitters, no conflicts (2 of 4 stars). 2 submissions from 2 submitters: Uncertain significance (2). Last evaluated 2021-09-01.

Conditions:
Autosomal recessive spastic paraplegia type 78. Identifiers: Orphanet 513436, MedGen C5567893, MONDO:0014975, OMIM 617225.
Kufor-Rakeb syndrome (KRS). Also called: PARKINSON DISEASE 9, AUTOSOMAL RECESSIVE, JUVENILE-ONSET. Identifiers: Orphanet 306674, Orphanet 314632, MedGen C1847640, MONDO:0011706, OMIM 606693.

Allele frequency attached by ClinVar (database versions not stated): gnomAD exomes 0.00001 and 0.00002; ExAC 0.00004; gnomAD 0.00005 and 0.00006; TOPMed 0.00005; ESP Exome Variant Server 0.00008; 1000 Genomes Project 30x 0.00016; 1000 Genomes Project 0.00020.
gnomAD v4.1: 26 of 1,613,800 alleles (0.0016%); highest among the groups gnomAD compares: African/African-American, 0.0093%; no homozygotes.

Submissions (2):

Labcorp Genetics (formerly Invitae), Labcorp
Classification: Uncertain significance for Kufor-Rakeb syndrome; Autosomal recessive spastic paraplegia type 78. Last evaluated: 2021-09-01. Review status: criteria provided, single submitter. Criteria: Invitae Variant Classification Sherloc (09022015). Collection method: clinical testing. Allele origin: germline.
Comment: This sequence change replaces valine with methionine at codon 220 of the ATP13A2 protein (p.Val220Met). The valine residue is weakly conserved and there is a small physicochemical difference between valine and methionine. This variant is present in population databases (rs367693423, ExAC 0.03%). This variant has not been reported in the literature in individuals affected with ATP13A2-related conditions. Algorithms developed to predict the effect of missense changes on protein structure and function output the following: SIFT: "Tolerated"; PolyPhen-2: "Benign"; Align-GVGD: "Class C0". The methionine amino acid residue is found in multiple mammalian species, which suggests that this missense change does not adversely affect protein function. In summary, the available evidence is currently insufficient to determine the role of this variant in disease. Therefore, it has been classified as a Variant of Uncertain Significance.

Breakthrough Genomics
Classification: Uncertain significance. Review status: criteria provided, single submitter. Criteria: ACMG Guidelines, 2015. Collection method: not provided. Allele origin: germline. Inheritance: Autosomal recessive inheritance. Affected: yes.